The following is an entry in ClinVar:

ClinVar aggregate classification (germline): Uncertain significance (1 of 4 stars; one submission).

Submission:

Labcorp Genetics (formerly Invitae), Labcorp
Classification: Uncertain significance. Last evaluated: 2026-01-24. Review status: criteria provided, single submitter. Criteria: Invitae Variant Classification Sherloc (09022015). Collection method: clinical testing. Allele origin: germline.
Comment: This sequence change replaces arginine, which is basic and polar, with histidine, which is basic and polar, at codon 140 of the FN1 protein (p.Arg140His). This variant is present in population databases (rs777763524, gnomAD 0.002%). This variant has not been reported in the literature in individuals affected with FN1-related conditions. An algorithm developed to predict the effect of missense changes on protein structure and function (PolyPhen-2) suggests that this variant is likely to be disruptive. In summary, the available evidence is currently insufficient to determine the role of this variant in disease. Therefore, it has been classified as a Variant of Uncertain Significance.

NM_212482.4(FN1):c.419G>A (p.Arg140His)

Gene: FN1 (fibronectin 1; minus strand). Cytogenetic location: 2q35.
Variant type: single nucleotide variant.
Coding change: c.419G>A on transcript NM_212482.4 (MANE Select); coding-DNA position 419, G replaced by A.
Protein change: p.Arg140His; replaces arginine 140 with histidine.
Molecular consequence: missense variant.
Genome position (GRCh38, 1-based): chr2:215,431,961, C>T on the plus strand (G>A on the coding strand, the complement: FN1 is on the minus strand). VCF-style: chr2-215431961-C-T. GRCh37 (hg19) VCF-style: chr2-216296684-C-T.
Other names: c.419G>A, p.Arg140His (NM_001306129.2, NM_001306130.2, NM_001306131.2 and 14 more transcripts); short protein forms R140H.
Identifiers: ClinVar variation 4761194 (VCV004761194.1).